The following is an entry in ClinVar:

NM_015215.4(CAMTA1):c.4334C>T (p.Ala1445Val)

Gene: CAMTA1 (calmodulin binding transcription activator 1; plus strand). Cytogenetic location: 1p36.23.
Variant type: single nucleotide variant.
Coding change: c.4334C>T on transcript NM_015215.4 (MANE Select); coding-DNA position 4334, C replaced by T.
Protein change: p.Ala1445Val; replaces alanine 1445 with valine.
Molecular consequence: missense variant.
Genome position (GRCh38, 1-based): chr1:7,744,986, C>T. VCF-style: chr1-7744986-C-T. GRCh37 (hg19) VCF-style: chr1-7805046-C-T.
Other names: c.4244C>T, p.Ala1415Val (NM_001349608.2); c.3995C>T, p.Ala1332Val (NM_001349609.2, NM_001349610.2, NM_001410737.1); c.3905C>T, p.Ala1302Val (NM_001349612.2); c.1463C>T, p.Ala488Val (NM_001349613.1); c.1406C>T, p.Ala469Val (NM_001349614.1, NM_001349615.2, NM_001349616.2 and 2 more transcripts); c.1067C>T, p.Ala356Val (NM_001349619.2, NM_001349620.1, NM_001349621.1 and 5 more transcripts); c.3923C>T, p.Ala1308Val (NM_001410738.1); short protein forms A1332V, A1415V, A1302V, A1308V, A1445V, A356V, A469V, A488V.
Identifiers: ClinVar variation 4707569 (VCV004707569.1).

ClinVar aggregate classification (germline): Uncertain significance (1 of 4 stars; one submission).

gnomAD v4.1: 10 of 1,613,740 alleles (0.00062%); highest among the groups gnomAD compares: Admixed American, 0.0017%; no homozygotes.

Submission:

Labcorp Genetics (formerly Invitae), Labcorp
Classification: Uncertain significance. Last evaluated: 2025-10-23. Review status: criteria provided, single submitter. Criteria: Invitae Variant Classification Sherloc (09022015). Collection method: clinical testing. Allele origin: germline.
Comment: This sequence change replaces alanine, which is neutral and non-polar, with valine, which is neutral and non-polar, at codon 1445 of the CAMTA1 protein (p.Ala1445Val). This variant is present in population databases (no rsID available, gnomAD 0.003%). This variant has not been reported in the literature in individuals affected with CAMTA1-related conditions. Invitae Evidence Modeling of protein sequence and biophysical properties (such as structural, functional, and spatial information, amino acid conservation, physicochemical variation, residue mobility, and thermodynamic stability) indicates that this missense variant is not expected to disrupt CAMTA1 protein function with a negative predictive value of 80%. In summary, the available evidence is currently insufficient to determine the role of this variant in disease. Therefore, it has been classified as a Variant of Uncertain Significance.